The following is an entry in ClinVar:

ClinVar aggregate classification (germline): Pathogenic. Review status: criteria provided, multiple submitters, no conflicts (2 of 4 stars). 5 submissions from 5 submitters: Pathogenic (5). Last evaluated 2025-08-26.

Conditions:
Cardiovascular phenotype. Identifiers: MedGen CN230736.
ACVRL1-related disorder. Also called: ACVRL1-related condition; ACVRL1-related disorders.
Telangiectasia, hereditary hemorrhagic, type 2 (HHT2). Also called: ACVRL1-Related Hereditary Hemorrhagic Telangiectasia; Telangiectasia, hereditary hemorrhagic, type II. Identifiers: Orphanet 774, MedGen C1838163, MONDO:0010880, OMIM 600376. Disease mechanism: loss of function.
Hereditary hemorrhagic telangiectasia (HHT). Also called: ORW DISEASE; Osler Weber Rendu syndrome; OSLER-RENDU-WEBER DISEASE; Osler hemorrhagic telangiectasia syndrome. Identifiers: Orphanet 774, MedGen C0039445, MONDO:0019180. Disease mechanism: loss of function.

Submissions (5):

Labcorp Genetics (formerly Invitae), Labcorp
Classification: Pathogenic for Telangiectasia, hereditary hemorrhagic, type 2. Last evaluated: 2025-08-26. Review status: criteria provided, single submitter. Criteria: Invitae Variant Classification Sherloc (09022015). Collection method: clinical testing. Allele origin: germline.
Comment: This sequence change creates a premature translational stop signal (p.Trp217*) in the ACVRL1 gene. It is expected to result in an absent or disrupted protein product. Loss-of-function variants in ACVRL1 are known to be pathogenic (PMID: 15879500). This variant is not present in population databases (gnomAD no frequency). This premature translational stop signal has been observed in individuals with hereditary haemorrhagic telangiectasia (PMID: 16752392, 25970827). ClinVar contains an entry for this variant (Variation ID: 655621). For these reasons, this variant has been classified as Pathogenic.

ARUP Laboratories, Molecular Genetics and Genomics, ARUP Laboratories
Classification: Pathogenic for Telangiectasia, hereditary hemorrhagic, type 2. Last evaluated: 2025-04-14. Review status: criteria provided, single submitter. Criteria: ARUP Molecular Germline Variant Investigation Process 2024. Collection method: clinical testing. Allele origin: germline.
Comment: The ACVRL1 c.651G>A; p.Trp217Ter variant is reported in the literature in individuals affected with HHT (Bossler 2006), and is a founder variant in the Norwegian population (Heimdal 2016). This variant is also reported in ClinVar (Variation ID: 655621). It is absent from the Genome Aggregation Database, indicating it is not a common polymorphism. This variant induces an early termination codon and is predicted to result in a truncated protein or mRNA subject to nonsense-mediated decay. Additionally, another variant resulting in the same truncation (c.650G>A; p.Trp217Ter) has been reported in individuals with HHT (Olivieri 2007). Based on available information, the c.651G>A; p.Trp217Ter variant is considered to be pathogenic. References: Bossler AD et al. Novel mutations in ENG and ACVRL1 identified in a series of 200 individuals undergoing clinical genetic testing for hereditary hemorrhagic telangiectasia (HHT): correlation of genotype with phenotype. Hum Mutat. 2006 Jul;27(7):667-75. PMID: 16752392. Heimdal K et al. Mutation analysis in Norwegian families with hereditary hemorrhagic telangiectasia: founder mutations in ACVRL1. Clin Genet. 2016 Feb;89(2):182-6. PMID: 25970827. Olivieri C et al. Analysis of ENG and ACVRL1 genes in 137 HHT Italian families identifies 76 different mutations (24 novel). Comparison with other European studies. J Hum Genet. 2007;52(10):820-829. PMID: 17786384.

Clinical Genetics Laboratory, Skane University Hospital Lund
Classification: Pathogenic for Hereditary hemorrhagic telangiectasia. Last evaluated: 2024-07-11. Review status: criteria provided, single submitter. Criteria: ACMG Guidelines, 2015. Collection method: clinical testing. Allele origin: germline. Affected: yes.
Comment: PVS1, PS4, PM2

Ambry Genetics
Classification: Pathogenic for Cardiovascular phenotype. Last evaluated: 2021-05-14. Review status: criteria provided, single submitter. Criteria: Ambry Variant Classification Scheme 2023. Collection method: clinical testing. Allele origin: germline.
Comment: The p.W217* pathogenic mutation (also known as c.651G>A), located in coding exon 5 of the ACVRL1 gene, results from a G to A substitution at nucleotide position 651. This changes the amino acid from a tryptophan to a stop codon within coding exon 5. This nonsense mutation (also seen as c.650G>A) was first described in an individual with epistaxis and telangiectasias (Bossler AD et al. Hum Mutat. 2006;27(7):667-75). It has also been reported in hereditary hemorrhagic telangiectasia families from Italy and Norway (Olivieri C, J. Hum. Genet. 2007 ; 52(10):820-9. Heimdal K, Clin. Genet. 2015 May). In addition to the clinical data presented in the literature, this alteration is expected to result in loss of function by premature protein truncation or nonsense-mediated mRNA decay. As such, this alteration is interpreted as a disease-causing mutation.

Blueprint Genetics
Classification: Pathogenic for ACVRL1-related disorders. Last evaluated: 2019-10-03. Review status: criteria provided, single submitter. Criteria: ACMG Guidelines, 2015. Collection method: clinical testing. Allele origin: germline. Affected: yes. Observed: 2 variant alleles.

Literature cited by the submitters: PubMed 15879500 (cited by Labcorp Genetics (formerly Invitae), Labcorp); PubMed 16752392 (cited by Labcorp Genetics (formerly Invitae), Labcorp and Ambry Genetics); PubMed 25970827 (cited by Labcorp Genetics (formerly Invitae), Labcorp and Ambry Genetics); PubMed 17786384 (cited by Ambry Genetics).

NM_000020.3(ACVRL1):c.651G>A (p.Trp217Ter)

Gene: ACVRL1 (activin A receptor like type 1; plus strand). Cytogenetic location: 12q13.13.
Variant type: single nucleotide variant.
Coding change: c.651G>A on transcript NM_000020.3 (MANE Select); coding-DNA position 651, G replaced by A.
Protein change: p.Trp217Ter; replaces tryptophan 217 with a stop codon.
Molecular consequence: nonsense.
Genome position (GRCh38, 1-based): chr12:51,914,464, G>A. VCF-style: chr12-51914464-G-A. GRCh37 (hg19) VCF-style: chr12-52308248-G-A.
Other names: c.651G>A, p.Trp217Ter (NM_001077401.2); short protein forms W217*.
Identifiers: ClinVar variation 655621 (VCV000655621.13), dbSNP rs1592223399, ClinGen allele CA384899999.